The following is an entry in ClinVar:

ClinVar aggregate classification (germline): Uncertain significance. Review status: criteria provided, multiple submitters, no conflicts (2 of 4 stars). 2 submissions from 2 submitters: Uncertain significance (2). Last evaluated 2024-06-06.

Conditions:
Ataxia-telangiectasia-like disorder (ATLD). Identifiers: MedGen C1858391, MONDO:0011457.
Hereditary cancer-predisposing syndrome. Also called: Neoplastic Syndromes, Hereditary; Tumor predisposition; Hereditary Cancer Syndrome; Hereditary neoplastic syndrome. Identifiers: Orphanet 140162, MedGen C0027672, MeSH D009386, MONDO:0015356.

Allele frequency attached by ClinVar (database versions not stated): TOPMed below 0.00001.

Submissions (2):

Ambry Genetics
Classification: Uncertain significance for Hereditary cancer-predisposing syndrome. Last evaluated: 2024-06-06. Review status: criteria provided, single submitter. Criteria: Ambry Variant Classification Scheme 2023. Collection method: clinical testing. Allele origin: germline.
Comment: The p.I396T variant (also known as c.1187T>C), located in coding exon 10 of the MRE11A gene, results from a T to C substitution at nucleotide position 1187. The isoleucine at codon 396 is replaced by threonine, an amino acid with similar properties. This amino acid position is highly conserved in available vertebrate species. In addition, this alteration is predicted to be deleterious by in silico analysis. Based on the available evidence, the clinical significance of this variant remains unclear.

Labcorp Genetics (formerly Invitae), Labcorp
Classification: Uncertain significance for Ataxia-telangiectasia-like disorder. Last evaluated: 2021-12-11. Review status: criteria provided, single submitter. Criteria: Invitae Variant Classification Sherloc (09022015). Collection method: clinical testing. Allele origin: germline.
Comment: This sequence change replaces isoleucine, which is neutral and non-polar, with threonine, which is neutral and polar, at codon 396 of the MRE11 protein (p.Ile396Thr). This variant is not present in population databases (gnomAD no frequency). This variant has not been reported in the literature in individuals affected with MRE11-related conditions. ClinVar contains an entry for this variant (Variation ID: 466429). Algorithms developed to predict the effect of missense changes on protein structure and function (SIFT, PolyPhen-2, Align-GVGD) all suggest that this variant is likely to be disruptive. In summary, the available evidence is currently insufficient to determine the role of this variant in disease. Therefore, it has been classified as a Variant of Uncertain Significance.

NM_005591.4(MRE11):c.1187T>C (p.Ile396Thr)

Gene: MRE11 (MRE11 double strand break repair nuclease; minus strand). Cytogenetic location: 11q21.
Variant type: single nucleotide variant.
Coding change: c.1187T>C on transcript NM_005591.4 (MANE Select); coding-DNA position 1187, T replaced by C.
Protein change: p.Ile396Thr; replaces isoleucine 396 with threonine.
Molecular consequence: missense variant.
Genome position (GRCh38, 1-based): chr11:94,464,151, A>G on the plus strand (T>C on the coding strand, the complement: MRE11 is on the minus strand). VCF-style: chr11-94464151-A-G. GRCh37 (hg19) VCF-style: chr11-94197317-A-G.
Other names: c.1187T>C, p.Ile396Thr (NM_001330347.2, NM_005590.4); short protein forms I396T.
Identifiers: ClinVar variation 466429 (VCV000466429.10), dbSNP rs1555010863, ClinGen allele CA382372769.
Genomic context (GRCh38, chr11:94,464,151, plus strand): 5'-CTCATAAAAATAACTAGCTTACCTGTTTTTTCCTTTTGTTCTCTATGCCTGAAAAAATGG[A>G]TAATGTCTTTTGGATTAGCTACCCGATCCACAAATTTCTGGCTAAAGCGAAGAACACTGA-3'
Protein context (NP_005582.1, residues 386-406): VDRVANPKDI[Ile396Thr]HFFRHREQKE